The following is an entry in ClinVar:

NM_020207.7(ERCC6L2):c.2420A>G (p.Glu807Gly)

Gene: ERCC6L2 (ERCC excision repair 6 like 2; plus strand). Cytogenetic location: 9q22.32.
Variant type: single nucleotide variant.
Coding change: c.2420A>G on transcript NM_020207.7 (MANE Select); coding-DNA position 2420, A replaced by G.
Protein change: p.Glu807Gly; replaces glutamic acid 807 with glycine.
Molecular consequence: missense variant. On other transcripts: non-coding transcript variant (1).
Genome position (GRCh38, 1-based): chr9:95,972,171, A>G. VCF-style: chr9-95972171-A-G. GRCh37 (hg19) VCF-style: chr9-98734453-A-G.
Other names: c.2420A>G, p.Glu807Gly (NM_001375291.1, NM_001375292.1, NM_001375293.1 and 1 more transcripts); short protein forms E807G.
Identifiers: ClinVar variation 1974709 (VCV001974709.5), dbSNP rs1298929401, ClinGen allele CA868838132.
Genomic context (GRCh38, chr9:95,972,171, plus strand): 5'-AGCTTACCTTACTCCAGTGTGGTTTCTCGAAATTGCTTGAAACAAAATGTAAAGCAGTTG[A>G]GGATAGTGATGGAAATACTGCCTCTGATGATGAAAGTTCTGATGAGCAGCCCACATGCCT-3'
Protein context (NP_064592.3, residues 797-817): KLLETKCKAV[Glu807Gly]DSDGNTASDD

ClinVar aggregate classification (germline): Uncertain significance (1 of 4 stars; one submission).

Allele frequency attached by ClinVar (database versions not stated): TOPMed below 0.00001.

Submission:

Labcorp Genetics (formerly Invitae), Labcorp
Classification: Uncertain significance. Last evaluated: 2024-11-04. Review status: criteria provided, single submitter. Criteria: Invitae Variant Classification Sherloc (09022015). Collection method: clinical testing. Allele origin: germline.
Comment: This sequence change replaces glutamic acid, which is acidic and polar, with glycine, which is neutral and non-polar, at codon 818 of the ERCC6L2 protein (p.Glu818Gly). This variant is not present in population databases (gnomAD no frequency). This variant has not been reported in the literature in individuals affected with ERCC6L2-related conditions. ClinVar contains an entry for this variant (Variation ID: 1974709). Experimental studies and prediction algorithms are not available or were not evaluated, and the functional significance of this variant is currently unknown. In summary, the available evidence is currently insufficient to determine the role of this variant in disease. Therefore, it has been classified as a Variant of Uncertain Significance.